The following is an entry in ClinVar:

ClinVar aggregate classification (germline): Pathogenic (1 of 4 stars; one submission).

Submission:

GeneDx
Classification: Pathogenic. Last evaluated: 2018-07-19. Review status: criteria provided, single submitter. Criteria: GeneDx Variant Classification (06012015). Collection method: clinical testing. Allele origin: germline. Affected: yes.
Comment: The c.27dupT variant in the SON gene has not been reported previously as a pathogenic variant nor as a benign variant, to our knowledge. The c.27dupT variant changes codon Arginine 10 to a premature Stop codon, denoted p.Arg10Ter. This variant is predicted to cause loss of normal protein function either through protein truncation or nonsense-mediated mRNA decay. The c.27dupT variant is not observed in large population cohorts (Lek et al., 2016). We interpret c.27dupT as a pathogenic variant.

NM_138927.4(SON):c.27dup (p.Arg10Ter)

Gene: SON (SON DNA and RNA binding protein; plus strand). Cytogenetic location: 21q22.11.
Variant type: Duplication.
Coding change: c.27dup on transcript NM_138927.4 (MANE Select); coding-DNA position 27, one base duplicated (T; older notation c.27dupT).
Protein change: p.Arg10Ter; replaces arginine 10 with a stop codon.
Molecular consequence: nonsense. On other transcripts: non-coding transcript variant (1).
Genome position (GRCh38, 1-based): chr21:33,543,119, T duplicated; the last of 5 consecutive T bases (chr21:33,543,115-33,543,119); duplicating any one gives the same sequence. VCF-style (leftmost placement, unchanged base first): chr21-33543114-A-AT. GRCh37 (hg19) VCF-style: chr21-34915420-A-AT.
Other names: c.27dup, p.Arg10Ter (NM_001291411.2, NM_001291412.3, NM_032195.3); c.27dupT (NM_032195.2); short protein forms R10*.
Identifiers: ClinVar variation 817560 (VCV000817560.1), dbSNP rs1601245742, ClinGen allele CA915952640.